The following is an entry in ClinVar:

NM_000458.4(HNF1B):c.257A>G (p.Tyr86Cys)

Gene: HNF1B (HNF1 homeobox B; minus strand). Cytogenetic location: 17q12.
Variant type: single nucleotide variant.
Coding change: c.257A>G on transcript NM_000458.4 (MANE Select); coding-DNA position 257, A replaced by G.
Protein change: p.Tyr86Cys; replaces tyrosine 86 with cysteine.
Molecular consequence: missense variant.
Genome position (GRCh38, 1-based): chr17:37,744,628, T>C on the plus strand (A>G on the coding strand, the complement: HNF1B is on the minus strand). VCF-style: chr17-37744628-T-C. GRCh37 (hg19) VCF-style: chr17-36104619-T-C.
Other names: c.257A>G, p.Tyr86Cys (NM_001165923.4, NM_001304286.2, NM_001411100.1); short protein forms Y86C.
Identifiers: ClinVar variation 3367505 (VCV003367505.2).

ClinVar aggregate classification (germline): Uncertain significance (1 of 4 stars; one submission).

gnomAD v4.1: 2 of 1,611,542 alleles (0.00012%); highest among the groups gnomAD compares: South Asian, 0.0011%; no homozygotes.

Submission:

GeneDx
Classification: Uncertain significance. Last evaluated: 2026-05-29. Review status: criteria provided, single submitter. Criteria: GeneDx Variant Classification Process June 2021. Collection method: clinical testing. Allele origin: germline.
Comment: Not observed at significant frequency in large population cohorts (gnomAD); In silico analysis supports that this missense variant has a deleterious effect on protein structure/function; Has not been previously published as pathogenic or benign to our knowledge